The following is an entry in ClinVar:

NM_001042492.3(NF1):c.3089C>A (p.Ser1030Ter)

Gene: NF1 (neurofibromin 1; plus strand). Cytogenetic location: 17q11.2.
Variant type: single nucleotide variant.
Coding change: c.3089C>A on transcript NM_001042492.3 (MANE Select); coding-DNA position 3089, C replaced by A.
Protein change: p.Ser1030Ter; replaces serine 1030 with a stop codon.
Molecular consequence: nonsense.
Genome position (GRCh38, 1-based): chr17:31,230,358, C>A. VCF-style: chr17-31230358-C-A. GRCh37 (hg19) VCF-style: chr17-29557376-C-A.
Other names: c.3089C>A, p.Ser1030Ter (NM_000267.4); short protein forms S1030*.
Identifiers: ClinVar variation 2115165 (VCV002115165.4), dbSNP rs1567849864, ClinGen allele CA398987575.
Genomic context (GRCh38, chr17:31,230,358, plus strand): 5'-AAATAAAAACGAAACTGTGTCAATTAGTTGAAGTAATGATGGCAAGGAGAGATGACCTCT[C>A]ATTTTGCCAAGAGATGAAATTTAGGTGAGTTCTCAAAAGAGCAATGTAGGGTCTTGTAAA-3'

ClinVar aggregate classification (germline): Pathogenic (1 of 4 stars; one submission).

Conditions:
Neurofibromatosis, type 1 (NF1). Also called: NEUROFIBROMATOSIS, TYPE I, SOMATIC; Neurofibromatosis, type I; Peripheral type neurofibromatosis; VON RECKLINGHAUSEN DISEASE. Identifiers: Orphanet 636, MedGen C0027831, MONDO:0018975, OMIM 162200. Disease mechanism: loss of function.

gnomAD v4.1: 1 of 1,613,444 alleles (0.000062%); highest among the groups gnomAD compares: Non-Finnish European, 0.000085%; no homozygotes.

Submission:

Labcorp Genetics (formerly Invitae), Labcorp
Classification: Pathogenic for Neurofibromatosis, type 1. Last evaluated: 2023-10-28. Review status: criteria provided, single submitter. Criteria: Invitae Variant Classification Sherloc (09022015). Collection method: clinical testing. Allele origin: germline.
Comment: This sequence change creates a premature translational stop signal (p.Ser1030*) in the NF1 gene. It is expected to result in an absent or disrupted protein product. Loss-of-function variants in NF1 are known to be pathogenic (PMID: 10712197, 23913538). This variant is not present in population databases (gnomAD no frequency). This premature translational stop signal has been observed in individual(s) with neurofibromatosis (PMID: 21354044). ClinVar contains an entry for this variant (Variation ID: 2115165). For these reasons, this variant has been classified as Pathogenic.

Literature cited by the submitters: PubMed 10712197; PubMed 23913538; PubMed 21354044.